The following is an entry in ClinVar:

ClinVar aggregate classification (germline): Pathogenic (1 of 4 stars; one submission).

Conditions:
Retinitis pigmentosa 12 (RP12). Also called: RP WITH OR WITHOUT PPRPE; RP WITH OR WITHOUT PRESERVED PARAARTERIOLE RETINAL PIGMENT EPITHELIUM; RETINITIS PIGMENTOSA WITH OR WITHOUT PARAARTERIOLAR PRESERVATION OF RETINAL PIGMENT EPITHELIUM. Identifiers: Orphanet 791, MedGen C1838647, MONDO:0010818, OMIM 600105.
Leber congenital amaurosis 8 (LCA8). Identifiers: Orphanet 65, MedGen C3151202, MONDO:0013453, OMIM 613835.

Submission:

Labcorp Genetics (formerly Invitae), Labcorp
Classification: Pathogenic for Leber congenital amaurosis 8; Retinitis pigmentosa 12. Last evaluated: 2023-02-15. Review status: criteria provided, single submitter. Criteria: Invitae Variant Classification Sherloc (09022015). Collection method: clinical testing. Allele origin: germline.
Comment: For these reasons, this variant has been classified as Pathogenic. This variant disrupts a region of the CRB1 protein in which other variant(s) (p.Asp1005Val) have been determined to be pathogenic (PMID: 23379534, 28559085). This suggests that this is a clinically significant region of the protein, and that variants that disrupt it are likely to be disease-causing. This variant has not been reported in the literature in individuals affected with CRB1-related conditions. Information on the frequency of this variant in the gnomAD database is not available, as this variant may be reported differently in the database. This variant, c.3012_3014delinsTTT, is a complex sequence change that results in the deletion of two and insertion of two amino acid(s) in the CRB1 protein (p.Gln1004_Asp1005delinsHisPhe).

Literature cited by the submitters: PubMed 23379534; PubMed 28559085.

NM_201253.3(CRB1):c.3012_3014delinsTTT (p.Gln1004_Asp1005delinsHisPhe)

Gene: CRB1 (crumbs cell polarity complex component 1; plus strand). Cytogenetic location: 1q31.3.
Variant type: Indel.
Coding change: c.3012_3014delinsTTT on transcript NM_201253.3 (MANE Select); coding-DNA positions 3012 to 3014, AGA replaced by TTT.
Protein change: p.Gln1004_Asp1005delinsHisPhe.
Molecular consequence: missense variant. On other transcripts: non-coding transcript variant (2), intron variant (1).
Genome position (GRCh38, 1-based): chr1:197,434,875-197,434,877, AGA replaced by TTT. VCF-style: chr1-197434875-AGA-TTT. GRCh37 (hg19) VCF-style: chr1-197404005-AGA-TTT.
Other names: c.2676_2678delinsTTT, p.Gln892_Asp893delinsHisPhe (NM_001193640.2); c.2940_2942delinsTTT, p.Gln980_Asp981delinsHisPhe (NM_001257965.2); c.2129-725_2129-723delinsTTT (NM_001257966.2).
Identifiers: ClinVar variation 2943159 (VCV002943159.3), dbSNP rs2528197381, ClinGen allele CA2740090448.